The following is an entry in ClinVar:

NM_003151.4(STAT4):c.1581C>T (p.Ser527=)

Gene: STAT4 (signal transducer and activator of transcription 4; minus strand). Cytogenetic location: 2q32.2.
Variant type: single nucleotide variant.
Coding change: c.1581C>T on transcript NM_003151.4 (MANE Select); coding-DNA position 1581, C replaced by T.
Protein change: p.Ser527=; no amino-acid change (serine 527 retained).
Molecular consequence: synonymous variant.
Genome position (GRCh38, 1-based): chr2:191,034,587, G>A on the plus strand (C>T on the coding strand, the complement: STAT4 is on the minus strand). VCF-style: chr2-191034587-G-A. GRCh37 (hg19) VCF-style: chr2-191899313-G-A.
Other names: c.1581C>T, p.Ser527= (NM_001243835.2).
Identifiers: ClinVar variation 1949304 (VCV001949304.5), dbSNP rs1695994219, ClinGen allele CA430336123.

ClinVar aggregate classification (germline): Uncertain significance (1 of 4 stars; one submission).

Allele frequency attached by ClinVar (database versions not stated): TOPMed 0.00001.

Submission:

Labcorp Genetics (formerly Invitae), Labcorp
Classification: Uncertain significance. Last evaluated: 2022-03-12. Review status: criteria provided, single submitter. Criteria: Invitae Variant Classification Sherloc (09022015). Collection method: clinical testing. Allele origin: germline.
Comment: Algorithms developed to predict the effect of sequence changes on RNA splicing suggest that this variant may disrupt the consensus splice site. This sequence change affects codon 527 of the STAT4 mRNA. It is a 'silent' change, meaning that it does not change the encoded amino acid sequence of the STAT4 protein. This variant is not present in population databases (gnomAD no frequency). This variant has not been reported in the literature in individuals affected with STAT4-related conditions. In summary, the available evidence is currently insufficient to determine the role of this variant in disease. Therefore, it has been classified as a Variant of Uncertain Significance.